The following is an entry in ClinVar:

ClinVar aggregate classification (germline): Uncertain significance (1 of 4 stars; one submission).

Allele frequency attached by ClinVar (database versions not stated): gnomAD 0.00003; ESP Exome Variant Server 0.00008; ExAC 0.00011; gnomAD exomes 0.00013.
gnomAD v4.1: 191 of 1,613,520 alleles (0.012%); highest among the groups gnomAD compares: Middle Eastern, 0.016%; no homozygotes.

Submission:

Labcorp Genetics (formerly Invitae), Labcorp
Classification: Uncertain significance. Last evaluated: 2024-11-06. Review status: criteria provided, single submitter. Criteria: Invitae Variant Classification Sherloc (09022015). Collection method: clinical testing. Allele origin: germline.
Comment: This sequence change replaces arginine, which is basic and polar, with histidine, which is basic and polar, at codon 3572 of the HERC1 protein (p.Arg3572His). This variant is present in population databases (rs370809691, gnomAD 0.02%). This variant has not been reported in the literature in individuals affected with HERC1-related conditions. ClinVar contains an entry for this variant (Variation ID: 2187489). Invitae Evidence Modeling of protein sequence and biophysical properties (such as structural, functional, and spatial information, amino acid conservation, physicochemical variation, residue mobility, and thermodynamic stability) indicates that this missense variant is not expected to disrupt HERC1 protein function with a negative predictive value of 80%. In summary, the available evidence is currently insufficient to determine the role of this variant in disease. Therefore, it has been classified as a Variant of Uncertain Significance.

NM_003922.4(HERC1):c.10715G>A (p.Arg3572His)

Gene: HERC1 (HECT and RLD domain containing E3 ubiquitin protein ligase family member 1; minus strand). Cytogenetic location: 15q22.31.
Variant type: single nucleotide variant.
Coding change: c.10715G>A on transcript NM_003922.4 (MANE Select); coding-DNA position 10715, G replaced by A.
Protein change: p.Arg3572His; replaces arginine 3572 with histidine.
Molecular consequence: missense variant.
Genome position (GRCh38, 1-based): chr15:63,649,757, C>T on the plus strand (G>A on the coding strand, the complement: HERC1 is on the minus strand). VCF-style: chr15-63649757-C-T. GRCh37 (hg19) VCF-style: chr15-63941956-C-T.
Other names: short protein forms R3572H.
Identifiers: ClinVar variation 2187489 (VCV002187489.4), dbSNP rs370809691, ClinGen allele CA7604404.
Genomic context (GRCh38, chr15:63,649,757, plus strand): 5'-TCAGCTAGACGTAAGTGCAGTCATTTACCATCCTTTCGATAGCAATGCTCCAATTCTCGA[C>T]GGTGCATGGTGGACACATCAACAACTTCAATCAGTCCCAGAGATCCATCCATCCGTCCCA-3'
Protein context (NP_003913.3, residues 3562-3582): IEVVDVSTMH[Arg3572His]RELEHCYRKD